The following is an entry in ClinVar:

ClinVar aggregate classification (germline): Uncertain significance. Review status: criteria provided, multiple submitters, no conflicts (2 of 4 stars). 2 submissions from 2 submitters: Uncertain significance (2). Last evaluated 2025-06-19.

Conditions:
Agammaglobulinemia 7, autosomal recessive (AGM7). Also called: AGAMMAGLOBULINEMIA, AUTOSOMAL RECESSIVE, DUE TO PIK3R1 DEFECT. Identifiers: MedGen C3554689, MONDO:0014083, OMIM 615214.
Immunodeficiency 36 with lymphoproliferation. Also called: Immunodeficiency 36; ACTIVATED PI3K-DELTA SYNDROME 2; Activated PI3K Delta Syndrome Type 2 (APDS2). Identifiers: Orphanet 397596, Orphanet 693681, MedGen C4014934, MONDO:0014453, OMIM 616005.
SHORT syndrome. Also called: PIK3R1-Related SHORT Syndrome; SHORT STATURE, HYPEREXTENSIBILITY, HERNIA, OCULAR DEPRESSION, RIEGER ANOMALY, AND TEETHING DELAY; LIPODYSTROPHY, PARTIAL, WITH RIEGER ANOMALY AND SHORT STATURE. Identifiers: Orphanet 3163, MedGen C0878684, MONDO:0010026, OMIM 269880.

Allele frequency attached by ClinVar (database versions not stated): gnomAD 0.00001; TOPMed 0.00002.
gnomAD v4.1: 7 of 1,613,784 alleles (0.00043%); highest among the groups gnomAD compares: African/African-American, 0.0094%; no homozygotes.

Submissions (2):

Labcorp Genetics (formerly Invitae), Labcorp
Classification: Uncertain significance for SHORT syndrome; Immunodeficiency 36 with lymphoproliferation; Agammaglobulinemia 7, autosomal recessive. Last evaluated: 2025-06-19. Review status: criteria provided, single submitter. Criteria: Invitae Variant Classification Sherloc (09022015). Collection method: clinical testing. Allele origin: germline.
Comment: This sequence change replaces lysine, which is basic and polar, with asparagine, which is neutral and polar, at codon 249 of the PIK3R1 protein (p.Lys249Asn). This variant is not present in population databases (gnomAD no frequency). This variant has not been reported in the literature in individuals affected with PIK3R1-related conditions. ClinVar contains an entry for this variant (Variation ID: 863370). An algorithm developed to predict the effect of missense changes on protein structure and function (PolyPhen-2) suggests that this variant is likely to be tolerated. In summary, the available evidence is currently insufficient to determine the role of this variant in disease. Therefore, it has been classified as a Variant of Uncertain Significance.

Laboratorio de Genetica e Diagnostico Molecular, Hospital Israelita Albert Einstein
Classification: Uncertain significance for Agammaglobulinemia 7, autosomal recessive. Last evaluated: 2022-02-08. Review status: criteria provided, single submitter. Criteria: ACMG Guidelines, 2015. Collection method: clinical testing. Allele origin: germline. Affected: yes.
Comment: ACMG classification criteria: PM2 moderate, BP4 supporting

NM_181523.3(PIK3R1):c.747G>C (p.Lys249Asn)

Gene: PIK3R1 (phosphoinositide-3-kinase regulatory subunit 1; plus strand). Cytogenetic location: 5q13.1.
Variant type: single nucleotide variant.
Coding change: c.747G>C on transcript NM_181523.3 (MANE Select); coding-DNA position 747, G replaced by C.
Protein change: p.Lys249Asn; replaces lysine 249 with asparagine.
Molecular consequence: missense variant.
Genome position (GRCh38, 1-based): chr5:68,280,640, G>C. VCF-style: chr5-68280640-G-C. GRCh37 (hg19) VCF-style: chr5-67576468-G-C.
Other names: short protein forms K249N.
Identifiers: ClinVar variation 863370 (VCV000863370.8), dbSNP rs147303522, ClinGen allele CA119896609.